The following is an entry in ClinVar:

ClinVar aggregate classification (germline): Uncertain significance (1 of 4 stars; one submission).

gnomAD v4.1: 1 of 1,614,130 alleles (0.000062%); highest among the groups gnomAD compares: Non-Finnish European, 0.000085%; no homozygotes.

Submission:

CeGaT Center for Human Genetics Tuebingen
Classification: Uncertain significance. Last evaluated: 2025-04-01. Review status: criteria provided, single submitter. Criteria: CeGaT Center For Human Genetics Tuebingen Variant Classification Criteria Version 2. Collection method: clinical testing. Allele origin: germline. Affected: yes. Observed: 1 variant allele.
Comment: CAMTA1: PM2

NM_015215.4(CAMTA1):c.1235T>C (p.Met412Thr)

Gene: CAMTA1 (calmodulin binding transcription activator 1; plus strand). Cytogenetic location: 1p36.23.
Variant type: single nucleotide variant.
Coding change: c.1235T>C on transcript NM_015215.4 (MANE Select); coding-DNA position 1235, T replaced by C.
Protein change: p.Met412Thr; replaces methionine 412 with threonine.
Molecular consequence: missense variant.
Genome position (GRCh38, 1-based): chr1:7,663,782, T>C. VCF-style: chr1-7663782-T-C. GRCh37 (hg19) VCF-style: chr1-7723842-T-C.
Other names: c.1145T>C, p.Met382Thr (NM_001349608.2, NM_001349612.2); c.1235T>C, p.Met412Thr (NM_001349609.2, NM_001349610.2, NM_001410737.1); c.1163T>C, p.Met388Thr (NM_001410738.1); short protein forms M382T, M388T, M412T.
Identifiers: ClinVar variation 3898573 (VCV003898573.7).